The following is an entry in ClinVar:

ClinVar aggregate classification (germline): Uncertain significance (1 of 4 stars; one submission).

Conditions:
Mitochondrial DNA depletion syndrome 20 (mngie type). Also called: MITOCHONDRIAL NEUROGASTROINTESTINAL ENCEPHALOMYOPATHY SYNDROME, LIG3-RELATED. Identifiers: MedGen C5676934, MONDO:0030696, OMIM 619780.

gnomAD v4.1: 6 of 1,613,986 alleles (0.00037%); highest among the groups gnomAD compares: African/African-American, 0.0053%; no homozygotes.

Submission:

Laboratorio de Genetica e Diagnostico Molecular, Hospital Israelita Albert Einstein
Classification: Uncertain significance for Mitochondrial DNA depletion syndrome 20 (mngie type). Last evaluated: 2025-02-07. Review status: criteria provided, single submitter. Criteria: ACMG Guidelines, 2015. Collection method: clinical testing. Allele origin: germline. Affected: yes.
Comment: ACMG classification criteria: PM2 supporting, BP4 supporting

NM_013975.4(LIG3):c.1502A>G (p.Asn501Ser)

Gene: LIG3 (DNA ligase 3; plus strand). Cytogenetic location: 17q12.
Variant type: single nucleotide variant.
Coding change: c.1502A>G on transcript NM_013975.4 (MANE Select); coding-DNA position 1502, A replaced by G.
Protein change: p.Asn501Ser; replaces asparagine 501 with serine.
Molecular consequence: missense variant.
Genome position (GRCh38, 1-based): chr17:34,994,322, A>G. VCF-style: chr17-34994322-A-G. GRCh37 (hg19) VCF-style: chr17-33321341-A-G.
Other names: c.1502A>G, p.Asn501Ser (NM_002311.5); short protein forms N501S.
Identifiers: ClinVar variation 4056580 (VCV004056580.1).